The following is an entry in ClinVar:

ClinVar aggregate classification (germline): Likely benign (1 of 4 stars; one submission).

Allele frequency attached by ClinVar (database versions not stated): TOPMed 0.00001; gnomAD exomes 0.00002.
gnomAD v4.1: 36 of 1,549,886 alleles (0.0023%); highest among the groups gnomAD compares: Non-Finnish European, 0.0029%; no homozygotes.

Submission:

CeGaT Center for Human Genetics Tuebingen
Classification: Likely benign. Last evaluated: 2023-03-01. Review status: criteria provided, single submitter. Criteria: CeGaT Center For Human Genetics Tuebingen Variant Classification Criteria Version 2. Collection method: clinical testing. Allele origin: germline. Affected: yes. Observed: 1 variant allele.
Comment: PITRM1: BP4, BP7

NM_014889.4(PITRM1):c.2442C>T (p.Arg814=)

Genes: PITRM1 (pitrilysin metallopeptidase 1; minus strand), PITRM1-AS1 (PITRM1 antisense RNA 1; plus strand). Cytogenetic location: 10p15.2.
Variant type: single nucleotide variant.
Coding change: c.2442C>T on transcript NM_014889.4 (MANE Select); coding-DNA position 2442, C replaced by T.
Protein change: p.Arg814=; no amino-acid change (arginine 814 retained).
Molecular consequence: synonymous variant. On other transcripts: non-coding transcript variant (5).
Genome position (GRCh38, 1-based): chr10:3,145,611, G>A on the plus strand (C>T on the coding strand, the complement: PITRM1 is on the minus strand). VCF-style: chr10-3145611-G-A. GRCh37 (hg19) VCF-style: chr10-3187803-G-A.
Other names: c.2445C>T, p.Arg815= (NM_001242307.2); c.2148C>T, p.Arg716= (NM_001242309.1); c.2244C>T, p.Arg748= (NM_001347725.2); c.1629C>T, p.Arg543= (NM_001347726.2); c.1827C>T, p.Arg609= (NM_001347727.2); c.1137C>T, p.Arg379= (NM_001347728.2); c.2418C>T, p.Arg806= (NM_001347729.1); c.2220C>T, p.Arg740= (NM_001347730.1).
Identifiers: ClinVar variation 2640279 (VCV002640279.24), dbSNP rs1447570236, ClinGen allele CA467969677.